The following is an entry in ClinVar:

ClinVar aggregate classification (germline): Uncertain significance (1 of 4 stars; one submission).

Submission:

GeneDx
Classification: Uncertain significance. Last evaluated: 2019-08-23. Review status: criteria provided, single submitter. Criteria: GeneDx Variant Classification Process June 2021. Collection method: clinical testing. Allele origin: germline. Affected: yes.
Comment: Not observed in large population cohorts (Lek et al., 2016); In-frame deletion of 2 amino acids and insertion of 1 incorrect amino acid in a non-repeat region; In silico analysis, which includes protein predictors and evolutionary conservation, supports a deleterious effect; Has not been previously published as pathogenic or benign to our knowledge

NM_152564.5(VPS13B):c.2867_2869del (p.Ile956_Asp957delinsAsn)

Gene: VPS13B (vacuolar protein sorting 13 homolog B; plus strand). Cytogenetic location: 8q22.2.
Variant type: Deletion.
Coding change: c.2867_2869del on transcript NM_152564.5 (MANE Select); coding-DNA positions 2867 to 2869, 3 bases deleted (TTG; older notation c.2867_2869delTTG).
Protein change: p.Ile956_Asp957delinsAsn.
Molecular consequence: inframe indel.
Genome position (GRCh38, 1-based): chr8:99,384,250-99,384,252, TTG deleted. VCF-style (leftmost placement, unchanged base first): chr8-99384249-ATTG-A. GRCh37 (hg19) VCF-style: chr8-100396477-ATTG-A.
Other names: c.2867_2869del, p.Ile956_Asp957delinsAsn (NM_017890.5).
Identifiers: ClinVar variation 1307749 (VCV001307749.2), dbSNP rs2133295202, ClinGen allele CA2573053069.
Genomic context (GRCh38, chr8:99,384,249, plus strand): 5'-TAAAAATCTTGTCTTTTAGGTGCTGTACTTCTTTGCAGTATACAAGGACTAGCAGTTAAT[ATTG>A]ACCCAATCTTATATACGTGGCTCATCTATCAGCCTCAGAAACGAACAAGTAGACATATGC-3'